The following is an entry in ClinVar:

NM_002075.4(GNB3):c.5G>A (p.Gly2Glu)

Gene: GNB3 (G protein subunit beta 3; plus strand). Cytogenetic location: 12p13.31.
Variant type: single nucleotide variant.
Coding change: c.5G>A on transcript NM_002075.4 (MANE Select); coding-DNA position 5, G replaced by A.
Protein change: p.Gly2Glu; replaces glycine 2 with glutamic acid.
Molecular consequence: missense variant.
Genome position (GRCh38, 1-based): chr12:6,841,292, G>A. VCF-style: chr12-6841292-G-A. GRCh37 (hg19) VCF-style: chr12-6950456-G-A.
Other names: c.5G>A (NM_002075.2); c.5G>A, p.Gly2Glu (NM_001297571.2); short protein forms G2E.
Identifiers: ClinVar variation 2907665 (VCV002907665.4), dbSNP rs782103240, ClinGen allele CA6417333.

ClinVar aggregate classification (germline): Uncertain significance. Review status: criteria provided, multiple submitters, no conflicts (2 of 4 stars). 2 submissions from 2 submitters: Uncertain significance (2). Last evaluated 2024-11-11.

Conditions:
Inborn genetic diseases. Identifiers: MedGen C0950123, MeSH D030342.

Allele frequency attached by ClinVar (database versions not stated): gnomAD exomes 0.00002; gnomAD 0.00003; ExAC 0.00007.
gnomAD v4.1: 36 of 1,613,284 alleles (0.0022%); highest among the groups gnomAD compares: South Asian, 0.036%; no homozygotes.

Submissions (2):

Ambry Genetics
Classification: Uncertain significance for Inborn genetic diseases. Last evaluated: 2024-11-11. Review status: criteria provided, single submitter. Criteria: Ambry Variant Classification Scheme 2023. Collection method: clinical testing. Allele origin: germline.

Labcorp Genetics (formerly Invitae), Labcorp
Classification: Uncertain significance. Last evaluated: 2023-05-24. Review status: criteria provided, single submitter. Criteria: Invitae Variant Classification Sherloc (09022015). Collection method: clinical testing. Allele origin: germline.
Comment: This sequence change replaces glycine, which is neutral and non-polar, with glutamic acid, which is acidic and polar, at codon 2 of the GNB3 protein (p.Gly2Glu). In summary, the available evidence is currently insufficient to determine the role of this variant in disease. Therefore, it has been classified as a Variant of Uncertain Significance. An algorithm developed to predict the effect of missense changes on protein structure and function (PolyPhen-2) suggests that this variant is likely to be tolerated. This variant has not been reported in the literature in individuals affected with GNB3-related conditions. This variant is present in population databases (rs782103240, gnomAD 0.04%).